The following is an entry in ClinVar:

NM_005555.4(KRT6B):c.62A>G (p.Asn21Ser)

Gene: KRT6B (keratin 6B; minus strand). Cytogenetic location: 12q13.13.
Variant type: single nucleotide variant.
Coding change: c.62A>G on transcript NM_005555.4 (MANE Select); coding-DNA position 62, A replaced by G.
Protein change: p.Asn21Ser; replaces asparagine 21 with serine.
Molecular consequence: missense variant.
Genome position (GRCh38, 1-based): chr12:52,452,017, T>C on the plus strand (A>G on the coding strand, the complement: KRT6B is on the minus strand). VCF-style: chr12-52452017-T-C. GRCh37 (hg19) VCF-style: chr12-52845801-T-C.
Other names: c.62A>G (NM_005555.3); short protein forms N21S.
Identifiers: ClinVar variation 1300089 (VCV001300089.5), dbSNP rs428894, ClinGen allele CA6580955.

ClinVar aggregate classification (germline): Benign. Review status: criteria provided, multiple submitters, no conflicts (2 of 4 stars). 3 submissions from 3 submitters: Benign (2). 1 of the submissions does not count toward it. Last evaluated 2021-08-19.

Conditions:
Pachyonychia congenita 4 (PC4). Also called: KRT6B-Related Pachyonychia Congenita. Identifiers: Orphanet 2309, MedGen C3714949, MONDO:0014325, OMIM 615728.
KRT6B-related disorder. Also called: KRT6B-related condition.

Allele frequency attached by ClinVar (database versions not stated): 1000 Genomes Project 30x 0.47783; ExAC 0.52084; gnomAD exomes 0.53742.

Submissions (3):

Genome-Nilou Lab
Classification: Benign for Pachyonychia congenita 4. Last evaluated: 2021-08-19. Review status: criteria provided, single submitter. Criteria: ACMG Guidelines, 2015. Collection method: clinical testing. Allele origin: germline. Affected: no.

Breakthrough Genomics
Classification: Benign. Review status: criteria provided, single submitter. Criteria: ACMG Guidelines, 2015. Collection method: not provided. Allele origin: germline. Inheritance: Autosomal dominant inheritance. Affected: yes.

PreventionGenetics, part of Exact Sciences
Classification: Benign for KRT6B-related condition. Last evaluated: 2019-09-24. Review status: no assertion criteria provided. Collection method: clinical testing. Allele origin: germline. Not counted in ClinVar's aggregate classification.
Comment: This variant is classified as benign based on ACMG/AMP sequence variant interpretation guidelines (Richards et al. 2015 PMID: 25741868, with internal and published modifications).